The following is an entry in ClinVar:

ClinVar aggregate classification (germline): Uncertain significance (1 of 4 stars; one submission).

Allele frequency attached by ClinVar (database versions not stated): ExAC 0.00001.
gnomAD v4.1: 2 of 1,605,366 alleles (0.00012%); highest among the groups gnomAD compares: Non-Finnish European, 0.000085%; no homozygotes.

Submission:

Labcorp Genetics (formerly Invitae), Labcorp
Classification: Uncertain significance. Last evaluated: 2023-12-07. Review status: criteria provided, single submitter. Criteria: Invitae Variant Classification Sherloc (09022015). Collection method: clinical testing. Allele origin: germline.
Comment: This sequence change replaces leucine, which is neutral and non-polar, with proline, which is neutral and non-polar, at codon 725 of the ABCA4 protein (p.Leu725Pro). The frequency data for this variant in the population databases is considered unreliable, as metrics indicate poor data quality at this position in the gnomAD database. This missense change has been observed in individual(s) with Stargardt disease (Invitae). ClinVar contains an entry for this variant (Variation ID: 1346187). Advanced modeling of protein sequence and biophysical properties (such as structural, functional, and spatial information, amino acid conservation, physicochemical variation, residue mobility, and thermodynamic stability) performed at Invitae indicates that this missense variant is expected to disrupt ABCA4 protein function with a positive predictive value of 95%. In summary, the available evidence is currently insufficient to determine the role of this variant in disease. Therefore, it has been classified as a Variant of Uncertain Significance.

NM_000350.3(ABCA4):c.2174T>C (p.Leu725Pro)

Gene: ABCA4 (ATP binding cassette subfamily A member 4; minus strand). Cytogenetic location: 1p22.1.
Variant type: single nucleotide variant.
Coding change: c.2174T>C on transcript NM_000350.3 (MANE Select); coding-DNA position 2174, T replaced by C.
Protein change: p.Leu725Pro; replaces leucine 725 with proline.
Molecular consequence: missense variant.
Genome position (GRCh38, 1-based): chr1:94,056,809, A>G on the plus strand (T>C on the coding strand, the complement: ABCA4 is on the minus strand). VCF-style: chr1-94056809-A-G. GRCh37 (hg19) VCF-style: chr1-94522365-A-G.
Other names: short protein forms L725P.
Identifiers: ClinVar variation 1346187 (VCV001346187.8), dbSNP rs765683730, ClinGen allele CA958323.